The following is an entry in ClinVar:

ClinVar aggregate classification (germline): Uncertain significance (1 of 4 stars; one submission).

Submission:

GeneDx
Classification: Uncertain significance. Last evaluated: 2019-03-28. Review status: criteria provided, single submitter. Criteria: GeneDx Variant Classification Process June 2021. Collection method: clinical testing. Allele origin: germline. Affected: yes.
Comment: Not observed in large population cohorts (Lek et al., 2016); In silico analysis, which includes protein predictors and evolutionary conservation, supports a deleterious effect; Has not been previously published as pathogenic or benign to our knowledge

NM_001029896.2(WDR45):c.560C>T (p.Thr187Met)

Gene: WDR45 (WD repeat domain 45; minus strand). Cytogenetic location: Xp11.23.
Variant type: single nucleotide variant.
Coding change: c.560C>T on transcript NM_001029896.2 (MANE Select); coding-DNA position 560, C replaced by T.
Protein change: p.Thr187Met; replaces threonine 187 with methionine.
Molecular consequence: missense variant.
Genome position (GRCh38, 1-based): chrX:49,075,710, G>A on the plus strand (C>T on the coding strand, the complement: WDR45 is on the minus strand). VCF-style: chrX-49075710-G-A. GRCh37 (hg19) VCF-style: chrX-48933369-G-A.
Other names: c.563C>T, p.Thr188Met (NM_007075.4); short protein forms T187M, T188M.
Identifiers: ClinVar variation 1307833 (VCV001307833.2), dbSNP rs1294236595, ClinGen allele CA412944691.